The following is an entry in ClinVar:

NM_000059.4(BRCA2):c.573T>C (p.Asp191=)

Gene: BRCA2 (BRCA2 DNA repair associated; plus strand). Cytogenetic location: 13q13.1.
Variant type: single nucleotide variant.
Coding change: c.573T>C on transcript NM_000059.4 (MANE Select); coding-DNA position 573, T replaced by C.
Protein change: p.Asp191=; no amino-acid change (aspartic acid 191 retained).
Molecular consequence: synonymous variant.
Genome position (GRCh38, 1-based): chr13:32,326,555, T>C. VCF-style: chr13-32326555-T-C. GRCh37 (hg19) VCF-style: chr13-32900692-T-C.
Identifiers: ClinVar variation 379031 (VCV000379031.1), dbSNP rs398122540, ClinGen allele CA16606769.

ClinVar aggregate classification (germline): Likely benign (1 of 4 stars; one submission).

Allele frequency attached by ClinVar (database versions not stated): gnomAD 0.00001; TOPMed 0.00001.
gnomAD v4.1: 1 of 1,613,978 alleles (0.000062%); highest among the groups gnomAD compares: Non-Finnish European, 0.000085%; no homozygotes.

Submission:

GeneDx
Classification: Likely benign. Last evaluated: 2015-12-31. Review status: criteria provided, single submitter. Criteria: GeneDx Variant Classification (06012015). Collection method: clinical testing. Allele origin: germline. Affected: yes.
Comment: This variant is considered likely benign or benign based on one or more of the following criteria: it is a conservative change, it occurs at a poorly conserved position in the protein, it is predicted to be benign by multiple in silico algorithms, and/or has population frequency not consistent with disease.